The following is an entry in ClinVar:

ClinVar aggregate classification (germline): Uncertain significance (1 of 4 stars; one submission).

Conditions:
Hereditary cancer-predisposing syndrome. Also called: Hereditary neoplastic syndrome; Neoplastic Syndromes, Hereditary; Tumor predisposition; Hereditary Cancer Syndrome. Identifiers: Orphanet 140162, MedGen C0027672, MeSH D009386, MONDO:0015356.

Submission:

Ambry Genetics
Classification: Uncertain significance for Hereditary cancer-predisposing syndrome. Last evaluated: 2025-02-03. Review status: criteria provided, single submitter. Criteria: Ambry Variant Classification Scheme 2023. Collection method: clinical testing. Allele origin: germline.
Comment: The p.P137L variant (also known as c.410C>T), located in coding exon 3 of the KIT gene, results from a C to T substitution at nucleotide position 410. The proline at codon 137 is replaced by leucine, an amino acid with similar properties. This amino acid position is conserved. In addition, this alteration is predicted to be tolerated by in silico analysis. Based on the available evidence, the clinical significance of this variant remains unclear.

NM_000222.3(KIT):c.410C>T (p.Pro137Leu)

Gene: KIT (KIT proto-oncogene, receptor tyrosine kinase; plus strand). Cytogenetic location: 4q12.
Variant type: single nucleotide variant.
Coding change: c.410C>T on transcript NM_000222.3 (MANE Select); coding-DNA position 410, C replaced by T.
Protein change: p.Pro137Leu; replaces proline 137 with leucine.
Molecular consequence: missense variant.
Genome position (GRCh38, 1-based): chr4:54,698,356, C>T. VCF-style: chr4-54698356-C-T. GRCh37 (hg19) VCF-style: chr4-55564522-C-T.
Other names: c.410C>T, p.Pro137Leu (NM_001093772.2, NM_001385284.1, NM_001385285.1 and 4 more transcripts); short protein forms P137L.
Identifiers: ClinVar variation 3864519 (VCV003864519.1).